The following is an entry in ClinVar:

NM_023110.3(FGFR1):c.39G>A (p.Leu13=)

Gene: FGFR1 (fibroblast growth factor receptor 1; minus strand). Cytogenetic location: 8p11.23.
Variant type: single nucleotide variant.
Coding change: c.39G>A on transcript NM_023110.3 (MANE Select); coding-DNA position 39, G replaced by A.
Protein change: p.Leu13=; no amino-acid change (leucine 13 retained).
Molecular consequence: synonymous variant. On other transcripts: 5 prime UTR variant (1).
Genome position (GRCh38, 1-based): chr8:38,457,408, C>T on the plus strand (G>A on the coding strand, the complement: FGFR1 is on the minus strand). VCF-style: chr8-38457408-C-T. GRCh37 (hg19) VCF-style: chr8-38314926-C-T.
Other names: c.39G>A, p.Leu13= (NM_001174063.2, NM_001174065.2, NM_001174066.2 and 7 more transcripts); c.-54G>A (NM_001174064.2); c.138G>A, p.Leu46= (NM_001174067.2); c.39G>A (NM_023110.2).
Identifiers: ClinVar variation 1407819 (VCV001407819.9), dbSNP rs760206071, ClinGen allele CA4718950.
Genomic context (GRCh38, chr8:38,457,408, plus strand): 5'-CACCTTACCTTGTTCAGGCAAGGTCGGGGACGGCCTAGCGGTGCAGAGTGTGGCTGTGAC[C>T]AGCACAGCCCAGAAGAGGAGGCACTTCCAGCTCCACATCCCAGTTCTGCAGTTAGAGGTT-3'
Protein context (NP_075598.2, residues 3-23): SWKCLLFWAV[Leu13=]VTATLCTARP

ClinVar aggregate classification (germline): Likely benign. Review status: criteria provided, multiple submitters, no conflicts (2 of 4 stars). 2 submissions from 2 submitters: Likely benign (2). Last evaluated 2025-05-21.

Conditions:
FGFR1-related disorder. Also called: FGFR1-related disorders; FGFR1-related condition. Identifiers: MedGen CN380097.
Pfeiffer syndrome (ACS5). Also called: ACS V. Identifiers: Orphanet 710, MedGen C0220658, MONDO:0007043, OMIM 101600.
Hypogonadotropic hypogonadism 2 with or without anosmia (HH2). Also called: FGFR1-Related GnRH Deficiency (Kallmann Syndrome 2); HYPOGONADOTROPIC HYPOGONADISM 2 WITHOUT ANOSMIA; HYPOGONADOTROPIC HYPOGONADISM 2 WITH OR WITHOUT ANOSMIA, SUSCEPTIBILITY TO; HYPOGONADOTROPIC HYPOGONADISM 2 WITHOUT ANOSMIA, SUSCEPTIBILITY TO. Identifiers: Orphanet 478, MedGen C1563720, MONDO:0007844, OMIM 147950. Disease mechanism: loss of function.

Allele frequency attached by ClinVar (database versions not stated): TOPMed below 0.00001; gnomAD 0.00001; gnomAD exomes 0.00002 and 0.00004; ExAC 0.00004.
gnomAD v4.1: 61 of 1,613,838 alleles (0.0038%); highest among the groups gnomAD compares: South Asian, 0.0055%; no homozygotes.

Submissions (2):

PreventionGenetics, part of Exact Sciences
Classification: Likely benign for FGFR1-related condition. Last evaluated: 2025-05-21. Review status: criteria provided, single submitter. Criteria: ACMG Guidelines, 2015. Collection method: clinical testing. Allele origin: germline.
Comment: This variant is classified as likely benign based on ACMG/AMP sequence variant interpretation guidelines (Richards et al. 2015 PMID: 25741868, with internal and published modifications).

Labcorp Genetics (formerly Invitae), Labcorp
Classification: Likely benign for Pfeiffer syndrome; Hypogonadotropic hypogonadism 2 with or without anosmia. Last evaluated: 2023-05-22. Review status: criteria provided, single submitter. Criteria: Invitae Variant Classification Sherloc (09022015). Collection method: clinical testing. Allele origin: germline.